The following is an entry in ClinVar:

NM_001330260.2(SCN8A):c.3372+129A>G

Gene: SCN8A (sodium voltage-gated channel alpha subunit 8; plus strand). Cytogenetic location: 12q13.13.
Variant type: single nucleotide variant.
Coding change: c.3372+129A>G on transcript NM_001330260.2 (MANE Select); 129 bases into the intron after coding-DNA position 3372, A replaced by G.
Molecular consequence: intron variant.
Genome position (GRCh38, 1-based): chr12:51,769,464, A>G. VCF-style: chr12-51769464-A-G. GRCh37 (hg19) VCF-style: chr12-52163248-A-G.
Other names: c.3372+129A>G (NM_014191.4, NM_001177984.3, NM_001369788.1).
Identifiers: ClinVar variation 669362 (VCV000669362.3), dbSNP rs303810, ClinGen allele CA236318797.

ClinVar aggregate classification (germline): Benign. Review status: criteria provided, multiple submitters, no conflicts (2 of 4 stars). 2 submissions from 2 submitters: Benign (2). Last evaluated 2024-07-15.

Allele frequency attached by ClinVar (database versions not stated): 1000 Genomes Project 30x 0.66849; 1000 Genomes Project 0.67851; TOPMed 0.72523; gnomAD 0.73476 and 0.73478; gnomAD exomes 0.82253.
gnomAD v4.1: 520,195 of 648,914 alleles (80%); highest among the groups gnomAD compares: East Asian, 91%; 214,441 homozygotes.

Submissions (2):

Unidad de Genómica Garrahan, Hospital de Pediatría Garrahan
Classification: Benign. Last evaluated: 2024-07-15. Review status: criteria provided, single submitter. Criteria: ACMG Guidelines, 2015. Collection method: clinical testing. Allele origin: germline. Affected: no. Observed: 25 variant alleles.
Comment: This variant is classified as Benign based on local population frequency. This variant was detected in 27% of patients studied in a panel designed for Epileptic and Developmental Encephalopathy and Progressive Myoclonus Epilepsy. Number of patients: 25. Only high quality variants are reported.

GeneDx
Classification: Benign. Last evaluated: 2018-06-14. Review status: criteria provided, single submitter. Criteria: GeneDx Variant Classification (06012015). Collection method: clinical testing. Allele origin: germline. Affected: yes.
Comment: This variant is considered likely benign or benign based on one or more of the following criteria: it is a conservative change, it occurs at a poorly conserved position in the protein, it is predicted to be benign by multiple in silico algorithms, and/or has population frequency not consistent with disease.